The following is an entry in ClinVar:

NM_001999.4(FBN2):c.6262G>T (p.Val2088Leu)

Gene: FBN2 (fibrillin 2; minus strand). Cytogenetic location: 5q23.3.
Variant type: single nucleotide variant.
Coding change: c.6262G>T on transcript NM_001999.4 (MANE Select); coding-DNA position 6262, G replaced by T.
Protein change: p.Val2088Leu; replaces valine 2088 with leucine.
Molecular consequence: missense variant.
Genome position (GRCh38, 1-based): chr5:128,291,559, C>A on the plus strand (G>T on the coding strand, the complement: FBN2 is on the minus strand). VCF-style: chr5-128291559-C-A. GRCh37 (hg19) VCF-style: chr5-127627251-C-A.
Other names: short protein forms V2088L.
Identifiers: ClinVar variation 904675 (VCV000904675.7), dbSNP rs893616190, ClinGen allele CA127035356.
Genomic context (GRCh38, chr5:128,291,559, plus strand): 5'-CTGTGACAGTGAAGTCATGCCAAATCTTACCAAAGCATCTCCGTCCATTATCAGATAGTA[C>A]AAAGCCAGGGGGGCAGAGGCACTGGAAGCCCCCTGGAGTATTAGTACAGGAACCAAAAAG-3'
Protein context (NP_001990.2, residues 2078-2098): GFQCLCPPGF[Val2088Leu]LSDNGRRCFD

ClinVar aggregate classification (germline): Uncertain significance. Review status: criteria provided, multiple submitters, no conflicts (2 of 4 stars). 3 submissions from 3 submitters: Uncertain significance (3). Last evaluated 2026-04-20.

Conditions:
FBN2-related disorder. Also called: FBN2-related condition.
Congenital contractural arachnodactyly (CCA). Also called: BEALS SYNDROME; Beals-Hecht syndrome; Arthrogryposis, distal, type 9. Identifiers: Orphanet 115, MedGen C0220668, MONDO:0007363, OMIM 121050.

Allele frequency attached by ClinVar (database versions not stated): TOPMed below 0.00001.

Submissions (3):

PreventionGenetics, part of Exact Sciences
Classification: Uncertain significance for FBN2-related condition. Last evaluated: 2026-04-20. Review status: criteria provided, single submitter. Criteria: ACMG Guidelines, 2015. Collection method: clinical testing. Allele origin: germline.
Comment: The FBN2 c.6262G>T variant is predicted to result in the amino acid substitution p.Val2088Leu. To our knowledge, this variant has not been reported in the literature. This variant is reported in 0.0065% of alleles in individuals of European (Non-Finnish) descent in gnomAD. At this time, the clinical significance of this variant is uncertain due to the absence of conclusive functional and genetic evidence.

Labcorp Genetics (formerly Invitae), Labcorp
Classification: Uncertain significance for Congenital contractural arachnodactyly. Last evaluated: 2024-06-30. Review status: criteria provided, single submitter. Criteria: Invitae Variant Classification Sherloc (09022015). Collection method: clinical testing. Allele origin: germline.
Comment: This sequence change replaces valine, which is neutral and non-polar, with leucine, which is neutral and non-polar, at codon 2088 of the FBN2 protein (p.Val2088Leu). The frequency data for this variant in the population databases is considered unreliable, as metrics indicate poor data quality at this position in the gnomAD database. This variant has not been reported in the literature in individuals affected with FBN2-related conditions. ClinVar contains an entry for this variant (Variation ID: 904675). Advanced modeling of protein sequence and biophysical properties (such as structural, functional, and spatial information, amino acid conservation, physicochemical variation, residue mobility, and thermodynamic stability) performed at Invitae indicates that this missense variant is not expected to disrupt FBN2 protein function with a negative predictive value of 80%. In summary, the available evidence is currently insufficient to determine the role of this variant in disease. Therefore, it has been classified as a Variant of Uncertain Significance.

Illumina Laboratory Services, Illumina
Classification: Uncertain significance for Congenital contractural arachnodactyly. Last evaluated: 2018-01-12. Review status: criteria provided, single submitter. Criteria: ICSL Variant Classification Criteria 13 December 2019. Collection method: clinical testing. Allele origin: germline.